The following is an entry in ClinVar:

ClinVar aggregate classification (germline): Uncertain significance. Review status: criteria provided, multiple submitters, no conflicts (2 of 4 stars). 2 submissions from 2 submitters: Uncertain significance (2). Last evaluated 2024-03-07.

Conditions:
Currarino triad. Identifiers: Orphanet 1552, MedGen C1531773, MONDO:0008305, OMIM 176450.

Allele frequency attached by ClinVar (database versions not stated): gnomAD exomes below 0.00001; TOPMed below 0.00001.
gnomAD v4.1: 2 of 1,214,522 alleles (0.00016%); highest among the groups gnomAD compares: Middle Eastern, 0.033%; no homozygotes.

Submissions (2):

Fulgent Genetics
Classification: Uncertain significance for Currarino triad. Last evaluated: 2024-03-07. Review status: criteria provided, single submitter. Criteria: ACMG Guidelines, 2015. Collection method: clinical testing. Allele origin: germline.

Labcorp Genetics (formerly Invitae), Labcorp
Classification: Uncertain significance. Last evaluated: 2023-06-28. Review status: criteria provided, single submitter. Criteria: Invitae Variant Classification Sherloc (09022015). Collection method: clinical testing. Allele origin: germline.
Comment: In summary, the available evidence is currently insufficient to determine the role of this variant in disease. Therefore, it has been classified as a Variant of Uncertain Significance. Experimental studies and prediction algorithms are not available or were not evaluated, and the functional significance of this variant is currently unknown. This variant has not been reported in the literature in individuals affected with MNX1-related conditions. The frequency data for this variant in the population databases is considered unreliable, as metrics indicate insufficient coverage at this position in the gnomAD database. This sequence change replaces glycine, which is neutral and non-polar, with glutamic acid, which is acidic and polar, at codon 53 of the MNX1 protein (p.Gly53Glu).

NM_005515.4(MNX1):c.158G>A (p.Gly53Glu)

Gene: MNX1 (motor neuron and pancreas homeobox 1; minus strand). Cytogenetic location: 7q36.3.
Variant type: single nucleotide variant.
Coding change: c.158G>A on transcript NM_005515.4 (MANE Select); coding-DNA position 158, G replaced by A.
Protein change: p.Gly53Glu; replaces glycine 53 with glutamic acid.
Molecular consequence: missense variant.
Genome position (GRCh38, 1-based): chr7:157,010,193, C>T on the plus strand (G>A on the coding strand, the complement: MNX1 is on the minus strand). VCF-style: chr7-157010193-C-T. GRCh37 (hg19) VCF-style: chr7-156802887-C-T.
Other names: short protein forms G53E.
Identifiers: ClinVar variation 2985089 (VCV002985089.2), dbSNP rs1805688499, ClinGen allele CA370165136.